The following is an entry in ClinVar:

ClinVar aggregate classification (germline): Likely pathogenic. Review status: reviewed by expert panel (3 of 4 stars). 6 submissions from 6 submitters: Likely pathogenic (1). 5 of the submissions do not count toward it. Last evaluated 2024-05-23.

Conditions:
Familial thoracic aortic aneurysm and aortic dissection (TAAD). Also called: Thoracic aortic aneurysms and dissections. Identifiers: Orphanet 91387, MedGen C4707243, MONDO:0019625.
Marfan syndrome (MFS). Also called: Marfan syndrome type 1; Marfan syndrome, classic; Marfan's syndrome; FBN1-Related Marfan Syndrome; MARFAN SYNDROME, TYPE I. Identifiers: Orphanet 284963, Orphanet 558, MedGen C0024796, MONDO:0007947, OMIM 154700.

Submissions (6):

ClinGen FBN1 Variant Curation Expert Panel, ClinGen
Classification: Likely pathogenic for Marfan syndrome. Last evaluated: 2024-05-23. Review status: reviewed by expert panel. Criteria: Assertion Criteria VCEP FBN1 Version 1. Collection method: curation. Allele origin: germline. Inheritance: Autosomal dominant inheritance.
Comment: The NM_00138 c.3554G>A is a missense variant in FBN1 predicted to cause a substitution of a glycine by aspartic acid at amino acid 1185 (p.Gly1185Asp), in a cbEGF-like domain of the protein. This variant has been reported three times in ClinVar: once as pathogenic, once as likely pathogenic, and once as uncertain significance (Variation ID: 549173). This variant is not present in gnomAD (PM2_sup; v2.1.1). Computational prediction tools and conservation analysis suggest that this variant may impact the protein (REVEL: 0.942, PP3). The constraint z-score for missense variants affecting FBN1 is 5.06 (PP2). In summary, this variant meets criteria to be classified as likely pathogenic for Marfan syndrome based on the ACMG/AMP criteria applied, as specified by the ClinGen FBN1 VCEP: PM6, PS4_Sup, PM2_Sup, PP2, PP3, PP4.

GeneDx
Classification: Likely pathogenic. Last evaluated: 2025-05-21. Review status: criteria provided, single submitter. Criteria: GeneDx Variant Classification Process June 2021. Collection method: clinical testing. Allele origin: germline. Affected: yes. Not counted in ClinVar's aggregate classification.
Comment: Not observed at significant frequency in large population cohorts (gnomAD); In silico analysis supports that this missense variant has a deleterious effect on protein structure/function; Does not affect a cysteine or calcium-binding residue within an EGF-like domain or a TGF-binding protein domain of the FBN1 gene; cysteine substitutions in the EGF-like domains represent the majority of pathogenic missense changes associated with FBN1-related disorders (PMID: 12938084); This variant is associated with the following publications: (PMID: 12938084, 35058154, 21542060)

Ambry Genetics
Classification: Likely pathogenic for Familial thoracic aortic aneurysm and aortic dissection. Last evaluated: 2025-04-09. Review status: criteria provided, single submitter. Criteria: Ambry Variant Classification Scheme 2023. Collection method: clinical testing. Allele origin: germline. Not counted in ClinVar's aggregate classification.
Comment: The p.G1185D variant (also known as c.3554G>A), located in coding exon 28 of the FBN1 gene, results from a G to A substitution at nucleotide position 3554. The glycine at codon 1185 is replaced by aspartic acid, an amino acid with similar properties. This variant was reported in individual(s) with features consistent with Marfan syndrome; in at least one individual, it was determined to be de novo (Meester JAN et al. Genet Med, 2022 May;24:1045-1053; Baetens M et al. Hum Mutat, 2011 Sep;32:1053-62; external communication; Ambry internal data). This amino acid position is highly conserved in available vertebrate species. In addition, this alteration is predicted to be deleterious by in silico analysis. This variant is considered to be rare based on population cohorts in the Genome Aggregation Database (gnomAD). Based on the majority of available evidence to date, this variant is likely to be pathogenic.

Laboratory of Medical Genetics, National & Kapodistrian University of Athens
Classification: Pathogenic for Marfan syndrome. Last evaluated: 2022-06-20. Review status: criteria provided, single submitter. Criteria: ACMG Guidelines, 2015. Collection method: clinical testing. Allele origin: germline. Affected: yes. Not counted in ClinVar's aggregate classification.
Comment: PM2, PP2, PP3, PP5

Centre of Medical Genetics, University of Antwerp
Classification: Likely pathogenic for Marfan syndrome. Last evaluated: 2021-03-01. Review status: criteria provided, single submitter. Criteria: Submitter's publication. Collection method: research. Allele origin: unknown. Affected: yes. Not counted in ClinVar's aggregate classification.
Comment: PM2, PS6, PP4

Center for Medical Genetics Ghent, University of Ghent
Classification: Uncertain significance for Marfan syndrome. Last evaluated: 2017-11-07. Review status: no assertion criteria provided. Collection method: clinical testing. Allele origin: germline. Affected: yes. Not counted in ClinVar's aggregate classification.

Literature cited by the submitters: PubMed 21542060 (cited by Ambry Genetics); PubMed 35058154 (cited by Ambry Genetics).

NM_000138.5(FBN1):c.3554G>A (p.Gly1185Asp)

Gene: FBN1 (fibrillin 1; minus strand). Cytogenetic location: 15q21.1.
Variant type: single nucleotide variant.
Coding change: c.3554G>A on transcript NM_000138.5 (MANE Select); coding-DNA position 3554, G replaced by A.
Protein change: p.Gly1185Asp; replaces glycine 1185 with aspartic acid.
Molecular consequence: missense variant.
Genome position (GRCh38, 1-based): chr15:48,487,110, C>T on the plus strand (G>A on the coding strand, the complement: FBN1 is on the minus strand). VCF-style: chr15-48487110-C-T. GRCh37 (hg19) VCF-style: chr15-48779307-C-T.
Other names: NM_000138.5(FBN1):c.3554G>A; p.Gly1185Asp; short protein forms G1185D.
Identifiers: ClinVar variation 549173 (VCV000549173.22), dbSNP rs1555398512, ClinGen allele CA392324992.
Genomic context (GRCh38, chr15:48,487,110, plus strand): 5'-TAAAATAAAATAAAAAAGAACTTACCAACACAAAATAGCCTATCGGGAGTTGAATGGTAG[C>T]CAGGGTTGCAGGCACACTGATACTTCCCTATGAGGTTCACGCAACGGCCATTGGGGCACA-3'
Protein context (NP_000129.3, residues 1175-1195): IGKYQCACNP[Gly1185Asp]YHSTPDRLFC